The following is an entry in ClinVar:

NM_001256869.2(USP17L7):c.139A>G (p.Thr47Ala)

Genes: FAM66D (family with sequence similarity 66 member D), USP17L7 (ubiquitin specific peptidase 17 like family member 7; minus strand). Cytogenetic location: 8p23.1.
Variant type: single nucleotide variant.
Coding change: c.139A>G on transcript NM_001256869.2 (MANE Select); coding-DNA position 139, A replaced by G.
Protein change: p.Thr47Ala; replaces threonine 47 with alanine.
Molecular consequence: missense variant.
Genome position (GRCh38, 1-based): chr8:12,133,871, T>C on the plus strand (A>G on the coding strand, the complement: USP17L7 is on the minus strand). VCF-style: chr8-12133871-T-C. GRCh37 (hg19) VCF-style: chr8-11991380-T-C.
Other names: short protein forms T47A.
Identifiers: ClinVar variation 2658421 (VCV002658421.24), dbSNP rs752586513, ClinGen allele CA4634600.

ClinVar aggregate classification (germline): Likely benign (1 of 4 stars; one submission).

Allele frequency attached by ClinVar (database versions not stated): ExAC 0.00006; gnomAD 0.00011.

Submission:

CeGaT Center for Human Genetics Tuebingen
Classification: Likely benign. Last evaluated: 2022-11-01. Review status: criteria provided, single submitter. Criteria: CeGaT Center For Human Genetics Tuebingen Variant Classification Criteria Version 2. Collection method: clinical testing. Allele origin: germline. Affected: yes. Observed: 1 variant allele.
Comment: USP17L7: BS2